The following is an entry in ClinVar:

NM_002968.3(SALL1):c.1921G>T (p.Val641Phe)

Gene: SALL1 (spalt like transcription factor 1; minus strand). Cytogenetic location: 16q12.1.
Variant type: single nucleotide variant.
Coding change: c.1921G>T on transcript NM_002968.3 (MANE Select); coding-DNA position 1921, G replaced by T.
Protein change: p.Val641Phe; replaces valine 641 with phenylalanine.
Molecular consequence: missense variant.
Genome position (GRCh38, 1-based): chr16:51,140,301, C>A on the plus strand (G>T on the coding strand, the complement: SALL1 is on the minus strand). VCF-style: chr16-51140301-C-A. GRCh37 (hg19) VCF-style: chr16-51174212-C-A.
Other names: c.1630G>T, p.Val544Phe (NM_001127892.2); short protein forms V641F, V544F.
Identifiers: ClinVar variation 4999982 (VCV004999982.1).
Genomic context (GRCh38, chr16:51,140,301, plus strand): 5'-GGTTGGTGAAGGTGGTGGCACTGCCCGCGGGGCCGCAGTCTGCCGCTGGGGAGCTCAGGA[C>A]GCTACTGCTCGCCGTCGGGACTGAGTTGGTGACCATGCCACTCTCTTCGCTTTTGCCACC-3'
Protein context (NP_002959.2, residues 631-651): TNSVPTASSS[Val641Phe]LSSPAADCGP

ClinVar aggregate classification (germline): Uncertain significance (1 of 4 stars; one submission).

Conditions:
SALL1-related disorder. Also called: SALL1-related condition.

gnomAD v4.1: 2 of 1,614,122 alleles (0.00012%); highest among the groups gnomAD compares: Admixed American, 0.0033%; no homozygotes.

Submission:

PreventionGenetics, part of Exact Sciences
Classification: Uncertain significance for SALL1-related condition. Last evaluated: 2025-03-15. Review status: criteria provided, single submitter. Criteria: ACMG Guidelines, 2015. Collection method: clinical testing. Allele origin: germline.
Comment: The SALL1 c.1921G>T variant is predicted to result in the amino acid substitution p.Val641Phe. To our knowledge, this variant has not been reported in the literature. This variant is reported in 0.0029% of alleles in individuals of Latino descent in gnomAD. At this time, the clinical significance of this variant is uncertain due to the absence of conclusive functional and genetic evidence.